The following is an entry in ClinVar:

ClinVar aggregate classification (germline): Uncertain significance (1 of 4 stars; one submission).

Allele frequency attached by ClinVar (database versions not stated): gnomAD exomes below 0.00001; TOPMed below 0.00001; gnomAD 0.00001.

Submission:

Labcorp Genetics (formerly Invitae), Labcorp
Classification: Uncertain significance. Last evaluated: 2026-01-18. Review status: criteria provided, single submitter. Criteria: Invitae Variant Classification Sherloc (09022015). Collection method: clinical testing. Allele origin: germline.
Comment: This sequence change replaces glutamic acid, which is acidic and polar, with lysine, which is basic and polar, at codon 392 of the COL9A2 protein (p.Glu392Lys). This variant is present in population databases (no rsID available, gnomAD 0.06%). This variant has not been reported in the literature in individuals affected with COL9A2-related conditions. ClinVar contains an entry for this variant (Variation ID: 1372180). Invitae Evidence Modeling of protein sequence and biophysical properties (such as structural, functional, and spatial information, amino acid conservation, physicochemical variation, residue mobility, and thermodynamic stability) indicates that this missense variant is not expected to disrupt COL9A2 protein function with a negative predictive value of 95%. In summary, the available evidence is currently insufficient to determine the role of this variant in disease. Therefore, it has been classified as a Variant of Uncertain Significance.

NM_001852.4(COL9A2):c.1174G>A (p.Glu392Lys)

Gene: COL9A2 (collagen type IX alpha 2 chain; minus strand). Cytogenetic location: 1p34.2.
Variant type: single nucleotide variant.
Coding change: c.1174G>A on transcript NM_001852.4 (MANE Select); coding-DNA position 1174, G replaced by A.
Protein change: p.Glu392Lys; replaces glutamic acid 392 with lysine.
Molecular consequence: missense variant.
Genome position (GRCh38, 1-based): chr1:40,304,517, C>T on the plus strand (G>A on the coding strand, the complement: COL9A2 is on the minus strand). VCF-style: chr1-40304517-C-T. GRCh37 (hg19) VCF-style: chr1-40770189-C-T.
Other names: short protein forms E392K.
Identifiers: ClinVar variation 1372180 (VCV001372180.6), dbSNP rs1221599181, ClinGen allele CA339882070.